The following is an entry in ClinVar:

ClinVar aggregate classification (germline): Uncertain significance (1 of 4 stars; one submission).

Submission:

Women's Health and Genetics/Laboratory Corporation of America, LabCorp
Classification: Uncertain significance. Last evaluated: 2024-04-23. Review status: criteria provided, single submitter. Criteria: LabCorp Variant Classification Summary - May 2015. Collection method: clinical testing. Allele origin: germline.
Comment: Variant summary: PAH c.1192A>G (p.Lys398Glu) results in a conservative amino acid change located in the Aromatic amino acid hydroxylase, C-terminal (IPR019774) of the encoded protein sequence. Four of five in-silico tools predict a damaging effect of the variant on protein function. The variant was absent in 251308 control chromosomes. The available data on variant occurrences in the general population are insufficient to allow any conclusion about variant significance. c.1192A>G has been reported in the literature in individuals affected with Phenylalanine Hydroxylase Deficiency (Phenylketonuria) (Hillert_2020). These report(s) do not provide unequivocal conclusions about association of the variant with Phenylalanine Hydroxylase Deficiency (Phenylketonuria). To our knowledge, no experimental evidence demonstrating an impact on protein function has been reported. The following publication have been ascertained in the context of this evaluation (PMID: 32668217). No submitters have cited clinical-significance assessments for this variant to ClinVar. Based on the evidence outlined above, the variant was classified as uncertain significance.

Literature cited by the submitters: PubMed 32668217.

NM_000277.3(PAH):c.1192A>G (p.Lys398Glu)

Gene: PAH (phenylalanine hydroxylase; minus strand). Cytogenetic location: 12q23.2.
Variant type: single nucleotide variant.
Coding change: c.1192A>G on transcript NM_000277.3 (MANE Select); coding-DNA position 1192, A replaced by G.
Protein change: p.Lys398Glu; replaces lysine 398 with glutamic acid.
Molecular consequence: missense variant.
Genome position (GRCh38, 1-based): chr12:102,843,653, T>C on the plus strand (A>G on the coding strand, the complement: PAH is on the minus strand). VCF-style: chr12-102843653-T-C. GRCh37 (hg19) VCF-style: chr12-103237431-T-C.
Other names: c.1192A>G, p.Lys398Glu (NM_001354304.2); short protein forms K398E.
Identifiers: ClinVar variation 3251788 (VCV003251788.1), dbSNP rs2136635468.
Genomic context (GRCh38, chr12:102,843,653, plus strand): 5'-GCACCAGTCAGGAGGCCCCCAGAGCTAGTGGCTCACCTTTGTCACCACCTCACCTTACTT[T>C]CTCCTTGGCATCATTAAAACTCTCTGCCACGTAATAGAGGGGCTGGAACTCCGTGACAGT-3'
Protein context (NP_000268.1, residues 388-408): VAESFNDAKE[Lys398Glu]VRNFAATIPR